The following is an entry in ClinVar:

ClinVar aggregate classification (germline): Uncertain significance (1 of 4 stars; one submission).

gnomAD v4.1: 24 of 1,612,122 alleles (0.0015%); highest among the groups gnomAD compares: Non-Finnish European, 0.002%; no homozygotes.

Submission:

CeGaT Center for Human Genetics Tuebingen
Classification: Uncertain significance. Last evaluated: 2025-02-01. Review status: criteria provided, single submitter. Criteria: CeGaT Center For Human Genetics Tuebingen Variant Classification Criteria Version 2. Collection method: clinical testing. Allele origin: germline. Affected: yes. Observed: 1 variant allele.
Comment: NEB: PP3

NM_001164508.2(NEB):c.24445G>A (p.Glu8149Lys)

Genes: NEB (nebulin; minus strand), RIF1 (replication timing regulatory factor 1; plus strand). Cytogenetic location: 2q23.3.
Variant type: single nucleotide variant.
Coding change: c.24445G>A on transcript NM_001164508.2 (MANE Select); coding-DNA position 24445, G replaced by A.
Protein change: p.Glu8149Lys; replaces glutamic acid 8149 with lysine.
Molecular consequence: missense variant.
Genome position (GRCh38, 1-based): chr2:151,496,317, C>T on the plus strand (G>A on the coding strand, the complement: NEB is on the minus strand). VCF-style: chr2-151496317-C-T. GRCh37 (hg19) VCF-style: chr2-152352831-C-T.
Other names: c.24445G>A, p.Glu8149Lys (NM_001164507.2); c.24550G>A, p.Glu8184Lys (NM_001271208.2); c.18877G>A, p.Glu6293Lys (NM_004543.5); short protein forms E6293K, E8149K, E8184K.
Identifiers: ClinVar variation 3771769 (VCV003771769.13).